The following is an entry in ClinVar:

ClinVar aggregate classification (germline): Benign/Likely benign. Review status: criteria provided, multiple submitters, no conflicts (2 of 4 stars). 3 submissions from 3 submitters: Benign (1); Likely benign (2). Last evaluated 2026-01-23.

Conditions:
Inflammatory bowel disease 28. Also called: Inflammatory bowel disease 28, early onset, autosomal recessive. Identifiers: Orphanet 238569, MedGen C2751053, MONDO:0013153, OMIM 613148.

Allele frequency attached by ClinVar (database versions not stated): gnomAD 0.00001 and 0.00027; TOPMed 0.00008; gnomAD exomes 0.00055 and 0.00120; ExAC 0.00139; 1000 Genomes Project 30x 0.00187; 1000 Genomes Project 0.00200.

Submissions (3):

Labcorp Genetics (formerly Invitae), Labcorp
Classification: Benign for Inflammatory bowel disease 28. Last evaluated: 2026-01-23. Review status: criteria provided, single submitter. Criteria: Invitae Variant Classification Sherloc (09022015). Collection method: clinical testing. Allele origin: germline.

Blueprint Genetics
Classification: Likely benign. Last evaluated: 2024-11-06. Review status: criteria provided, single submitter. Criteria: ACMG Guidelines, 2015. Collection method: clinical testing. Allele origin: germline.

Illumina Laboratory Services, Illumina
Classification: Likely benign for Inflammatory bowel disease 28. Last evaluated: 2018-01-12. Review status: criteria provided, single submitter. Criteria: ICSL Variant Classification Criteria 13 December 2019. Collection method: clinical testing. Allele origin: germline.
Comment: This variant was observed in the ICSL laboratory as part of a predisposition screen in an ostensibly healthy population. It had not been previously curated by ICSL or reported in the Human Gene Mutation Database (HGMD: prior to June 1st, 2018), and was therefore a candidate for classification through an automated scoring system. Utilizing variant allele frequency, disease prevalence and penetrance estimates, and inheritance mode, an automated score was calculated to assess if this variant is too frequent to cause the disease. Based on the score and internal cut-off values, a variant classified as likely benign is not then subjected to further curation. The score for this variant resulted in a classification of likely benign for this disease.

NM_001558.4(IL10RA):c.716T>C (p.Phe239Ser)

Gene: IL10RA (interleukin 10 receptor subunit alpha; plus strand). Cytogenetic location: 11q23.3.
Variant type: single nucleotide variant.
Coding change: c.716T>C on transcript NM_001558.4 (MANE Select); coding-DNA position 716, T replaced by C.
Protein change: p.Phe239Ser; replaces phenylalanine 239 with serine.
Molecular consequence: missense variant. On other transcripts: non-coding transcript variant (1).
Genome position (GRCh38, 1-based): chr11:117,995,616, T>C. VCF-style: chr11-117995616-T-C. GRCh37 (hg19) VCF-style: chr11-117866331-T-C.
Other names: short protein forms F239S.
Identifiers: ClinVar variation 718027 (VCV000718027.15), dbSNP rs541386535, ClinGen allele CA6299037.